The following is an entry in ClinVar:

ClinVar aggregate classification (germline): Conflicting classifications of pathogenicity. Review status: criteria provided, conflicting classifications (1 of 4 stars). 7 submissions from 7 submitters: Likely pathogenic (2); Uncertain significance (4). 1 of the submissions does not count toward it. Last evaluated 2025-04-11.

Conditions:
Ullrich congenital muscular dystrophy 1A. Also called: Ullrich congenital muscular dystrophy 1; Intermediate COL6-RD. Identifiers: Orphanet 75840, MedGen C0410179, MONDO:0009681, OMIM 254090.
Bethlem myopathy 1A. Also called: MYOPATHY, BENIGN CONGENITAL, WITH CONTRACTURES; Bethlem myopathy 1; Bethlem Muscular Dystrophy. Identifiers: Orphanet 610, MedGen CN029274, MONDO:0024530, OMIM 158810.

Allele frequency attached by ClinVar (database versions not stated): gnomAD exomes below 0.00001.
gnomAD v4.1: 4 of 1,612,922 alleles (0.00025%); highest among the groups gnomAD compares: Non-Finnish European, 0.00034%; no homozygotes.

Submissions (7):

Labcorp Genetics (formerly Invitae), Labcorp
Classification: Uncertain significance for Bethlem myopathy 1A. Last evaluated: 2025-04-11. Review status: criteria provided, single submitter. Criteria: Invitae Variant Classification Sherloc (09022015). Collection method: clinical testing. Allele origin: germline.
Comment: This sequence change replaces threonine, which is neutral and polar, with methionine, which is neutral and non-polar, at codon 731 of the COL6A2 protein (p.Thr731Met). This variant is not present in population databases (gnomAD no frequency). This missense change has been observed in individual(s) with Bethlem myopathy and/or clinical features of COL6A2-related conditions (PMID: 24271325, 32528171, 36982625). ClinVar contains an entry for this variant (Variation ID: 195956). Invitae Evidence Modeling of protein sequence and biophysical properties (such as structural, functional, and spatial information, amino acid conservation, physicochemical variation, residue mobility, and thermodynamic stability) indicates that this missense variant is expected to disrupt COL6A2 protein function with a positive predictive value of 80%. This variant disrupts the p.Thr731 amino acid residue in COL6A2. Other variant(s) that disrupt this residue have been observed in individuals with COL6A2-related conditions (PMID: 34167565), which suggests that this may be a clinically significant amino acid residue. In summary, the available evidence is currently insufficient to determine the role of this variant in disease. Therefore, it has been classified as a Variant of Uncertain Significance.

Mayo Clinic Laboratories, Mayo Clinic
Classification: Uncertain significance. Last evaluated: 2024-12-30. Review status: criteria provided, single submitter. Criteria: ACMG Guidelines, 2015. Collection method: clinical testing. Allele origin: germline. Observed: 1 variant allele.
Comment: PP3_strong

Human Genetics Bochum, Ruhr University Bochum
Classification: Likely pathogenic for Bethlem myopathy 1A. Last evaluated: 2024-06-14. Review status: criteria provided, single submitter. Criteria: ACMG Guidelines, 2015. Collection method: clinical testing. Allele origin: germline. Affected: yes.
Comment: ACMG criteria used to clasify this variant: PM2_SUP_STR, PS4_SUP, PM5_SUP

Revvity Omics, Revvity
Classification: Uncertain significance. Last evaluated: 2021-08-27. Review status: criteria provided, single submitter. Criteria: ACMG Guidelines, 2015. Collection method: clinical testing. Allele origin: germline.

Mendelics
Classification: Likely pathogenic for Bethlem myopathy 1A. Last evaluated: 2019-05-28. Review status: criteria provided, single submitter. Criteria: Mendelics Assertion Criteria 2017. Collection method: clinical testing. Allele origin: unknown.

Eurofins Ntd Llc (ga)
Classification: Uncertain significance. Last evaluated: 2016-08-16. Review status: criteria provided, single submitter. Criteria: EGL Classification Definitions 2015. Collection method: clinical testing. Allele origin: germline. Observed: 2 variant alleles, 2 heterozygotes.

Clinical Genetics Laboratory, University Hospital Schleswig-Holstein
Classification: Likely pathogenic for Ullrich congenital muscular dystrophy 1A. Last evaluated: 2022-09-01. Review status: no assertion criteria provided. Collection method: clinical testing. Allele origin: germline. Affected: yes. Not counted in ClinVar's aggregate classification.

Literature cited by the submitters: PubMed 24271325 (cited by Labcorp Genetics (formerly Invitae), Labcorp and Mayo Clinic Laboratories, Mayo Clinic); PubMed 32528171 (cited by Labcorp Genetics (formerly Invitae), Labcorp and Mayo Clinic Laboratories, Mayo Clinic); PubMed 36982625 (cited by Labcorp Genetics (formerly Invitae), Labcorp and Mayo Clinic Laboratories, Mayo Clinic); PubMed 34167565 (cited by Labcorp Genetics (formerly Invitae), Labcorp).

NM_001849.4(COL6A2):c.2192C>T (p.Thr731Met)

Gene: COL6A2 (collagen type VI alpha 2 chain; plus strand). Cytogenetic location: 21q22.3.
Variant type: single nucleotide variant.
Coding change: c.2192C>T on transcript NM_001849.4 (MANE Select); coding-DNA position 2192, C replaced by T.
Protein change: p.Thr731Met; replaces threonine 731 with methionine.
Molecular consequence: missense variant.
Genome position (GRCh38, 1-based): chr21:46,126,007, C>T. VCF-style: chr21-46126007-C-T. GRCh37 (hg19) VCF-style: chr21-47545921-C-T.
Other names: p.Thr731Met; c.2192C>T, p.Thr731Met (NM_058174.3, NM_058175.3); short protein forms T731M.
Identifiers: ClinVar variation 195956 (VCV000195956.17), dbSNP rs794727419, ClinGen allele CA242680.
Genomic context (GRCh38, chr21:46,126,007, plus strand): 5'-ACGACCGCCTCATCAAGGAGAGCCGGCGCCAGAAGACACGTGTGTTTGCGGTGGTCATCA[C>T]GGACGGGCGCCACGACCCTCGGGACGATGACCTCAACTTGCGGGCGCTGTGCGACCGCGA-3'
Protein context (NP_001840.3, residues 721-741): QKTRVFAVVI[Thr731Met]DGRHDPRDDD